The following is an entry in ClinVar:

ClinVar aggregate classification (germline): Likely benign. Review status: criteria provided, multiple submitters, no conflicts (2 of 4 stars). 2 submissions from 2 submitters: Likely benign (2). Last evaluated 2025-01-15.

Conditions:
Hereditary cancer-predisposing syndrome. Also called: Tumor predisposition; Hereditary neoplastic syndrome; Neoplastic Syndromes, Hereditary; Hereditary Cancer Syndrome. Identifiers: Orphanet 140162, MedGen C0027672, MeSH D009386, MONDO:0015356.
Hereditary breast ovarian cancer syndrome. Also called: BRCA1- and BRCA2-Associated Hereditary Breast and Ovarian Cancer; Hereditary breast and ovarian cancer; Hereditary breast and ovarian cancer syndrome; Breast and ovarian cancer; Hereditary breast and/or ovarian cancer syndrome; Hereditary breast and ovarian cancer syndrome (HBOC). Identifiers: Orphanet 145, MedGen C0677776, MeSH D061325, MONDO:0003582. Disease mechanism: loss of function.

Allele frequency attached by ClinVar (database versions not stated): TOPMed below 0.00001.

Submissions (2):

Molecular Diagnostics Laboratory, Catalan Institute of Oncology
Classification: Likely benign for Hereditary cancer-predisposing syndrome. Last evaluated: 2025-01-15. Review status: criteria provided, single submitter. Criteria: ClinGen BRCA1BRCA2 ACMG Specifications BRCA2 V1.0.0. Collection method: clinical testing. Allele origin: germline.
Comment: PM2_Supporting, BP4, BP7 BRCA2 c.7805+19T>G is an intronic variant located outside the conserved donor or acceptor motif positions (at or beyond positions +7/-21)(BP7). It is not present in the population database gnomAD v2.1.1, exome non cancer dataset (PM2_supporting). The SpliceAI algorithm predicts no significant impact on splicing (BP4). To our knowledge, neither clinical data nor functional studies have been reported for this variant. This variant has been reported in the ClinVar database (1x uncertain significance) and in BRCA Exchange database (“not yet reviewed”) but is not present in LOVD database. Based on currently available information, the variant c.7805+19T>G is classified as a likely benign variant according to ClinGen- BRCA1 and BRCA2 Guidelines version 1.0.0.

Labcorp Genetics (formerly Invitae), Labcorp
Classification: Likely benign for Hereditary breast ovarian cancer syndrome. Last evaluated: 2024-02-17. Review status: criteria provided, single submitter. Criteria: Invitae Variant Classification Sherloc (09022015). Collection method: clinical testing. Allele origin: germline.

NM_000059.4(BRCA2):c.7805+19T>G

Gene: BRCA2 (BRCA2 DNA repair associated; plus strand). Cytogenetic location: 13q13.1.
Variant type: single nucleotide variant.
Coding change: c.7805+19T>G on transcript NM_000059.4 (MANE Select); 19 bases into the intron after coding-DNA position 7805, T replaced by G.
Molecular consequence: intron variant.
Genome position (GRCh38, 1-based): chr13:32,357,948, T>G. VCF-style: chr13-32357948-T-G. GRCh37 (hg19) VCF-style: chr13-32932085-T-G.
Identifiers: ClinVar variation 1011057 (VCV001011057.10), dbSNP rs2072712616, ClinGen allele CA2082819363.